The following is an entry in ClinVar:

ClinVar aggregate classification (germline): Benign. Review status: criteria provided, multiple submitters, no conflicts (2 of 4 stars). 7 submissions from 7 submitters: Benign (7). Last evaluated 2026-02-04.

Conditions:
Focal segmental glomerulosclerosis 2 (FSGS2). Identifiers: Orphanet 656, MedGen C1858915, MONDO:0011390, OMIM 603965.

Allele frequency attached by ClinVar (database versions not stated): 1000 Genomes Project 0.40475; 1000 Genomes Project 30x 0.40725; gnomAD exomes 0.40948 and 0.43606; ExAC 0.42157; gnomAD 0.45904 and 0.46624; TOPMed 0.45972; ESP Exome Variant Server 0.47619.
gnomAD v4.1: 704,539 of 1,608,228 alleles (44%); highest among the groups gnomAD compares: African/African-American, 55%; 157,253 homozygotes.

Submissions (7):

Labcorp Genetics (formerly Invitae), Labcorp
Classification: Benign. Last evaluated: 2026-02-04. Review status: criteria provided, single submitter. Criteria: Invitae Variant Classification Sherloc (09022015). Collection method: clinical testing. Allele origin: germline.

Blueprint Genetics
Classification: Benign. Last evaluated: 2024-11-27. Review status: criteria provided, single submitter. Criteria: ACMG Guidelines, 2015. Collection method: clinical testing. Allele origin: germline.

Unidad de Genómica Garrahan, Hospital de Pediatría Garrahan
Classification: Benign. Last evaluated: 2024-07-15. Review status: criteria provided, single submitter. Criteria: ACMG Guidelines, 2015. Collection method: clinical testing. Allele origin: germline. Affected: no. Observed: 62 variant alleles.
Comment: This variant is classified as Benign based on local population frequency. This variant was detected in 67% of patients studied in a panel designed for Epileptic and Developmental Encephalopathy and Progressive Myoclonus Epilepsy. Number of patients: 62. Only high quality variants are reported.

Genome-Nilou Lab
Classification: Benign for Focal segmental glomerulosclerosis 2. Last evaluated: 2021-09-10. Review status: criteria provided, single submitter. Criteria: ACMG Guidelines, 2015. Collection method: clinical testing. Allele origin: germline. Affected: no.

GeneDx
Classification: Benign. Last evaluated: 2019-08-20. Review status: criteria provided, single submitter. Criteria: GeneDx Variant Classification Process June 2021. Collection method: clinical testing. Allele origin: germline. Affected: yes.

Breakthrough Genomics
Classification: Benign. Review status: criteria provided, single submitter. Criteria: ACMG Guidelines, 2015. Collection method: not provided. Allele origin: germline. Inheritance: Autosomal dominant inheritance. Affected: yes.

PreventionGenetics, part of Exact Sciences
Classification: Benign. Review status: criteria provided, single submitter. Criteria: ACMG Guidelines, 2015. Collection method: clinical testing. Allele origin: germline.

NM_004621.6(TRPC6):c.171-20A>G

Gene: TRPC6 (transient receptor potential cation channel subfamily C member 6; minus strand). Cytogenetic location: 11q22.1.
Variant type: single nucleotide variant.
Coding change: c.171-20A>G on transcript NM_004621.6 (MANE Select); 20 bases into the intron before coding-DNA position 171, A replaced by G.
Molecular consequence: intron variant.
Genome position (GRCh38, 1-based): chr11:101,504,818, T>C on the plus strand (A>G on the coding strand, the complement: TRPC6 is on the minus strand). VCF-style: chr11-101504818-T-C. GRCh37 (hg19) VCF-style: chr11-101375549-T-C.
Identifiers: ClinVar variation 259456 (VCV000259456.22), dbSNP rs10501986, ClinGen allele CA6244582.